The following is an entry in ClinVar:

ClinVar aggregate classification (germline): Uncertain significance. Review status: criteria provided, multiple submitters, no conflicts (2 of 4 stars). 2 submissions from 2 submitters: Uncertain significance (2). Last evaluated 2024-11-08.

Conditions:
Inborn genetic diseases. Identifiers: MedGen C0950123, MeSH D030342.
Congenital disorder of deglycosylation (CDDG). Identifiers: MedGen C3808991, MONDO:0031376.

gnomAD v4.1: 8 of 1,552,652 alleles (0.00052%); highest among the groups gnomAD compares: Non-Finnish European, 0.0007%; no homozygotes.

Submissions (2):

Ambry Genetics
Classification: Uncertain significance for Inborn genetic diseases. Last evaluated: 2024-11-08. Review status: criteria provided, single submitter. Criteria: Ambry Variant Classification Scheme 2023. Collection method: clinical testing. Allele origin: germline.

Labcorp Genetics (formerly Invitae), Labcorp
Classification: Uncertain significance for Congenital disorder of deglycosylation. Last evaluated: 2022-07-24. Review status: criteria provided, single submitter. Criteria: Invitae Variant Classification Sherloc (09022015). Collection method: clinical testing. Allele origin: germline.
Comment: This sequence change replaces arginine, which is basic and polar, with glycine, which is neutral and non-polar, at codon 503 of the NGLY1 protein (p.Arg503Gly). This variant is present in population databases (no rsID available, gnomAD 0.007%). This variant has not been reported in the literature in individuals affected with NGLY1-related conditions. ClinVar contains an entry for this variant (Variation ID: 965051). Algorithms developed to predict the effect of missense changes on protein structure and function output the following: SIFT: "Tolerated"; PolyPhen-2: "Benign"; Align-GVGD: "Class C0". The glycine amino acid residue is found in multiple mammalian species, which suggests that this missense change does not adversely affect protein function. In summary, the available evidence is currently insufficient to determine the role of this variant in disease. Therefore, it has been classified as a Variant of Uncertain Significance.

NM_018297.4(NGLY1):c.1507C>G (p.Arg503Gly)

Gene: NGLY1 (N-glycanase 1; minus strand). Cytogenetic location: 3p24.2.
Variant type: single nucleotide variant.
Coding change: c.1507C>G on transcript NM_018297.4 (MANE Select); coding-DNA position 1507, C replaced by G.
Protein change: p.Arg503Gly; replaces arginine 503 with glycine.
Molecular consequence: missense variant.
Genome position (GRCh38, 1-based): chr3:25,729,237, G>C on the plus strand (C>G on the coding strand, the complement: NGLY1 is on the minus strand). VCF-style: chr3-25729237-G-C. GRCh37 (hg19) VCF-style: chr3-25770728-G-C.
Other names: c.1453C>G, p.Arg485Gly (NM_001145293.2); c.1381C>G, p.Arg461Gly (NM_001145294.2); c.1507C>G, p.Arg503Gly (NM_001145295.2); short protein forms R461G, R503G, R485G.
Identifiers: ClinVar variation 965051 (VCV000965051.5), dbSNP rs745718089, ClinGen allele CA351896757.